The following is an entry in ClinVar:

NM_000448.3(RAG1):c.830A>G (p.Lys277Arg)

Gene: RAG1 (recombination activating 1; plus strand). Cytogenetic location: 11p12.
Variant type: single nucleotide variant.
Coding change: c.830A>G on transcript NM_000448.3 (MANE Select); coding-DNA position 830, A replaced by G.
Protein change: p.Lys277Arg; replaces lysine 277 with arginine.
Molecular consequence: missense variant.
Genome position (GRCh38, 1-based): chr11:36,574,134, A>G. VCF-style: chr11-36574134-A-G. GRCh37 (hg19) VCF-style: chr11-36595684-A-G.
Other names: c.830A>G, p.Lys277Arg (NM_001377277.1, NM_001377278.1, NM_001377279.1 and 1 more transcripts); short protein forms K277R.
Identifiers: ClinVar variation 469115 (VCV000469115.8), dbSNP rs1027087402, ClinGen allele CA220600571.

ClinVar aggregate classification (germline): Uncertain significance (1 of 4 stars; one submission).

Conditions:
Severe combined immunodeficiency, autosomal recessive, T cell-negative, B cell-negative, NK cell-positive. Also called: SCID, AR, T-cell negative, B-cell negative, NK cell-positive; SCID, T CELL-NEGATIVE, B CELL-NEGATIVE, NK CELL-POSITIVE; Severe combined immunodeficiency due to complete RAG1/2 deficiency. Identifiers: Orphanet 331206, MedGen C1832322, MONDO:0011086, OMIM 601457.
Combined immunodeficiency with skin granulomas. Identifiers: Orphanet 157949, MedGen C2673536, MONDO:0009306, OMIM 233650.

Allele frequency attached by ClinVar (database versions not stated): gnomAD 0.00008; TOPMed 0.00011.
gnomAD v4.1: 11 of 1,614,120 alleles (0.00068%); no homozygotes.

Submission:

Labcorp Genetics (formerly Invitae), Labcorp
Classification: Uncertain significance for Combined immunodeficiency with skin granulomas; Severe combined immunodeficiency, autosomal recessive, T cell-negative, B cell-negative, NK cell-positive. Last evaluated: 2023-04-29. Review status: criteria provided, single submitter. Criteria: Invitae Variant Classification Sherloc (09022015). Collection method: clinical testing. Allele origin: germline.
Comment: This sequence change replaces lysine, which is basic and polar, with arginine, which is basic and polar, at codon 277 of the RAG1 protein (p.Lys277Arg). This variant is present in population databases (no rsID available, gnomAD 0.007%). This missense change has been observed in individual(s) with Omenn syndrome (PMID: 18442948). ClinVar contains an entry for this variant (Variation ID: 469115). Advanced modeling of protein sequence and biophysical properties (such as structural, functional, and spatial information, amino acid conservation, physicochemical variation, residue mobility, and thermodynamic stability) performed at Invitae indicates that this missense variant is not expected to disrupt RAG1 protein function. In summary, the available evidence is currently insufficient to determine the role of this variant in disease. Therefore, it has been classified as a Variant of Uncertain Significance.

Literature cited by the submitters: PubMed 18442948.